The following is an entry in ClinVar:

NM_005780.3(LHFPL6):c.43C>T (p.Leu15=)

Gene: LHFPL6 (LHFPL tetraspan subfamily member 6; minus strand). Cytogenetic location: 13q14.11.
Variant type: single nucleotide variant.
Coding change: c.43C>T on transcript NM_005780.3 (MANE Select); coding-DNA position 43, C replaced by T.
Protein change: p.Leu15=; no amino-acid change (leucine 15 retained).
Molecular consequence: synonymous variant.
Genome position (GRCh38, 1-based): chr13:39,601,174, G>A on the plus strand (C>T on the coding strand, the complement: LHFPL6 is on the minus strand). VCF-style: chr13-39601174-G-A. GRCh37 (hg19) VCF-style: chr13-40175311-G-A.
Identifiers: ClinVar variation 3056293 (VCV003056293.2), dbSNP rs34616166, ClinGen allele CA6958069.

ClinVar aggregate classification (germline): Benign (0 of 4 stars; one submission).

Conditions:
LHFPL6-related disorder. Also called: LHFPL6-related condition.

Allele frequency attached by ClinVar (database versions not stated): gnomAD exomes 0.00558; ExAC 0.01864; gnomAD 0.05527; TOPMed 0.06305; ESP Exome Variant Server 0.06435; 1000 Genomes Project 0.06809; 1000 Genomes Project 30x 0.07324.
gnomAD v4.1: 16,932 of 1,613,838 alleles (1%); highest among the groups gnomAD compares: African/African-American, 19%; 1,490 homozygotes.

Submission:

PreventionGenetics, part of Exact Sciences
Classification: Benign for LHFPL6-related condition. Last evaluated: 2019-11-11. Review status: no assertion criteria provided. Collection method: clinical testing. Allele origin: germline.
Comment: This variant is classified as benign based on ACMG/AMP sequence variant interpretation guidelines (Richards et al. 2015 PMID: 25741868, with internal and published modifications).